The following is an entry in ClinVar:

NM_152703.5(SAMD9L):c.238C>T (p.Pro80Ser)

Gene: SAMD9L (sterile alpha motif domain containing 9 like; minus strand). Cytogenetic location: 7q21.2.
Variant type: single nucleotide variant.
Coding change: c.238C>T on transcript NM_152703.5 (MANE Select); coding-DNA position 238, C replaced by T.
Protein change: p.Pro80Ser; replaces proline 80 with serine.
Molecular consequence: missense variant.
Genome position (GRCh38, 1-based): chr7:93,135,734, G>A on the plus strand (C>T on the coding strand, the complement: SAMD9L is on the minus strand). VCF-style: chr7-93135734-G-A. GRCh37 (hg19) VCF-style: chr7-92765047-G-A.
Other names: c.238C>T, p.Pro80Ser (NM_001303496.3, NM_001303497.3, NM_001303498.3 and 5 more transcripts); c.238C>T (NM_152703.2); short protein forms P80S.
Identifiers: ClinVar variation 3377957 (VCV003377957.2).

ClinVar aggregate classification (germline): Conflicting classifications of pathogenicity. Review status: criteria provided, conflicting classifications (1 of 4 stars). 2 submissions from 2 submitters: Uncertain significance (1); Likely benign (1). Last evaluated 2025-01-17.

Conditions:
Inborn genetic diseases. Identifiers: MedGen C0950123, MeSH D030342.

Submissions (2):

Ambry Genetics
Classification: Likely benign for Inborn genetic diseases. Last evaluated: 2025-01-17. Review status: criteria provided, single submitter. Criteria: Ambry Variant Classification Scheme 2023. Collection method: clinical testing. Allele origin: germline.

GeneDx
Classification: Uncertain significance. Last evaluated: 2024-05-16. Review status: criteria provided, single submitter. Criteria: GeneDx Variant Classification Process June 2021. Collection method: clinical testing. Allele origin: germline. Affected: yes.
Comment: Not observed at significant frequency in large population cohorts (gnomAD); In silico analysis indicates that this missense variant does not alter protein structure/function; Has not been previously published as pathogenic or benign to our knowledge